The following is an entry in ClinVar:

ClinVar aggregate classification (germline): Benign/Likely benign. Review status: criteria provided, multiple submitters, no conflicts (2 of 4 stars). 6 submissions from 6 submitters: Benign (4); Likely benign (2). Last evaluated 2026-01-01.

Allele frequency attached by ClinVar (database versions not stated): ESP Exome Variant Server 0.00008; gnomAD 0.00016 and 0.00040; TOPMed 0.00017; gnomAD exomes 0.00071 and 0.00128; ExAC 0.00151; 1000 Genomes Project 30x 0.00172; 1000 Genomes Project 0.00180.
gnomAD v4.1: 1,105 of 1,611,518 alleles (0.069%); highest among the groups gnomAD compares: South Asian, 0.68%; 6 homozygotes.

Submissions (6):

CeGaT Center for Human Genetics Tuebingen
Classification: Likely benign. Last evaluated: 2026-01-01. Review status: criteria provided, single submitter. Criteria: CeGaT Center For Human Genetics Tuebingen Variant Classification Criteria Version 2. Collection method: clinical testing. Allele origin: germline. Affected: yes. Observed: 2 variant alleles.
Comment: ESPN: BP4, BS2

Labcorp Genetics (formerly Invitae), Labcorp
Classification: Benign. Last evaluated: 2025-11-08. Review status: criteria provided, single submitter. Criteria: Invitae Variant Classification Sherloc (09022015). Collection method: clinical testing. Allele origin: germline.

Blueprint Genetics
Classification: Likely benign. Last evaluated: 2024-11-04. Review status: criteria provided, single submitter. Criteria: ACMG Guidelines, 2015. Collection method: clinical testing. Allele origin: germline.

GeneDx
Classification: Benign. Last evaluated: 2020-11-20. Review status: criteria provided, single submitter. Criteria: GeneDx Variant Classification Process June 2021. Collection method: clinical testing. Allele origin: germline. Affected: yes.

Laboratory for Molecular Medicine, Mass General Brigham Personalized Medicine
Classification: Benign. Last evaluated: 2015-10-15. Review status: criteria provided, single submitter. Criteria: LMM Criteria. Collection method: clinical testing. Allele origin: germline. Observed: 1 variant allele.
Comment: c.2061+7G>A in intron 9 of ESPN: This variant is not expected to have clinical s ignificance because it has been identified in 0.9% (135/15134) of South Asian ch romosomes by the Exome Aggregation Consortium (ExAC. org; rs369405672).

Breakthrough Genomics
Classification: Benign. Review status: criteria provided, single submitter. Criteria: ACMG Guidelines, 2015. Collection method: not provided. Allele origin: germline. Inheritance: Autosomal recessive inheritance. Affected: yes.

NM_031475.3(ESPN):c.2061+7G>A

Gene: ESPN (espin; plus strand). Cytogenetic location: 1p36.31.
Variant type: single nucleotide variant.
Coding change: c.2061+7G>A on transcript NM_031475.3 (MANE Select); 7 bases into the intron after coding-DNA position 2061, G replaced by A.
Molecular consequence: intron variant.
Genome position (GRCh38, 1-based): chr1:6,451,755, G>A. VCF-style: chr1-6451755-G-A. GRCh37 (hg19) VCF-style: chr1-6511815-G-A.
Other names: c.1998+7G>A (NM_001367474.1); c.1971+7G>A (NM_001367473.1).
Identifiers: ClinVar variation 226634 (VCV000226634.29), dbSNP rs369405672, ClinGen allele CA560359.